The following is an entry in ClinVar:

NM_015021.3(ZNF292):c.1262A>G (p.Asn421Ser)

Gene: ZNF292 (zinc finger protein 292; plus strand). Cytogenetic location: 6q14.3.
Variant type: single nucleotide variant.
Coding change: c.1262A>G on transcript NM_015021.3 (MANE Select); coding-DNA position 1262, A replaced by G.
Protein change: p.Asn421Ser; replaces asparagine 421 with serine.
Molecular consequence: missense variant.
Genome position (GRCh38, 1-based): chr6:87,254,891, A>G. VCF-style: chr6-87254891-A-G. GRCh37 (hg19) VCF-style: chr6-87964609-A-G.
Other names: c.842A>G, p.Asn281Ser (NM_001351444.2); short protein forms N281S, N421S.
Identifiers: ClinVar variation 1805591 (VCV001805591.2), dbSNP rs749274149, ClinGen allele CA3913828.
Genomic context (GRCh38, chr6:87,254,891, plus strand): 5'-ATGCGTATTATGCTGTGGAAATGTTGTATAATCAGCCAGACCAGAAATATGATGAAGAGA[A>G]TCTTCCAATACCAAATTCTTTACGCTGTGAGCTGTTACTTGTATTGAAAACTCAATGGCC-3'
Protein context (NP_055836.1, residues 411-431): NQPDQKYDEE[Asn421Ser]LPIPNSLRCE

ClinVar aggregate classification (germline): Uncertain significance (1 of 4 stars; one submission).

Conditions:
Intellectual developmental disorder, autosomal dominant 64. Also called: MENTAL RETARDATION, AUTOSOMAL DOMINANT 64. Identifiers: MedGen C5543067, MONDO:0030934, OMIM 619188.

Allele frequency attached by ClinVar (database versions not stated): ExAC 0.00001.

Submission:

Victorian Clinical Genetics Services, Murdoch Childrens Research Institute
Classification: Uncertain significance for Intellectual developmental disorder, autosomal dominant 64. Last evaluated: 2023-07-17. Review status: criteria provided, single submitter. Criteria: ACMG Guidelines, 2015. Collection method: clinical testing. Allele origin: germline. Inheritance: Autosomal dominant inheritance. Affected: yes.
Comment: Based on the classification scheme VCGS_Germline_v1.3.4, this variant is classified as VUS-3B. Following criteria are met: 0102 - Loss of function is a known mechanism of disease in this gene and is associated with intellectual developmental disorder, 64 (MIM#619188). (I) 0107 - This gene is associated with autosomal dominant disease. (I) 0200 - Variant is predicted to result in a missense amino acid change from asparagine to serine. (I) 0251 - This variant is heterozygous. (I) 0302 - Variant is present in gnomAD (v2) <0.001 for a dominant condition (1 heterozygote, 0 homozygotes). (SP) 0504 - Same amino acid change has been observed in placental mammals. (SB) 0604 - Variant is not located in an established domain, motif, hotspot or informative constraint region. (I) 0705 - No comparable missense variants have previous evidence for pathogenicity. (I) 0807 - This variant has no previous evidence of pathogenicity. (I) 0905 - No published segregation evidence has been identified for this variant. (I) 1007 - No published functional evidence has been identified for this variant. (I) Legend: (SP) - Supporting pathogenic, (I) - Information, (SB) - Supporting benign